The following is an entry in ClinVar:

ClinVar aggregate classification (germline): Uncertain significance. Review status: criteria provided, multiple submitters, no conflicts (2 of 4 stars). 2 submissions from 2 submitters: Uncertain significance (2). Last evaluated 2024-10-15.

Conditions:
Inborn genetic diseases. Identifiers: MedGen C0950123, MeSH D030342.

Allele frequency attached by ClinVar (database versions not stated): TOPMed below 0.00001; gnomAD 0.00001.
gnomAD v4.1: 11 of 1,614,064 alleles (0.00068%); highest among the groups gnomAD compares: African/African-American, 0.0027%; no homozygotes.

Submissions (2):

Labcorp Genetics (formerly Invitae), Labcorp
Classification: Uncertain significance. Last evaluated: 2024-10-15. Review status: criteria provided, single submitter. Criteria: Invitae Variant Classification Sherloc (09022015). Collection method: clinical testing. Allele origin: germline.
Comment: This sequence change replaces arginine, which is basic and polar, with cysteine, which is neutral and slightly polar, at codon 1255 of the CNTNAP1 protein (p.Arg1255Cys). This variant is present in population databases (rs202174111, gnomAD 0.003%). This variant has not been reported in the literature in individuals affected with CNTNAP1-related conditions. ClinVar contains an entry for this variant (Variation ID: 2478673). An algorithm developed to predict the effect of missense changes on protein structure and function (PolyPhen-2) suggests that this variant is likely to be tolerated. In summary, the available evidence is currently insufficient to determine the role of this variant in disease. Therefore, it has been classified as a Variant of Uncertain Significance.

Ambry Genetics
Classification: Uncertain significance for Inborn genetic diseases. Last evaluated: 2023-01-24. Review status: criteria provided, single submitter. Criteria: Ambry Variant Classification Scheme 2023. Collection method: clinical testing. Allele origin: germline.

NM_003632.3(CNTNAP1):c.3763C>T (p.Arg1255Cys)

Gene: CNTNAP1 (contactin associated protein 1; plus strand). Cytogenetic location: 17q21.2.
Variant type: single nucleotide variant.
Coding change: c.3763C>T on transcript NM_003632.3 (MANE Select); coding-DNA position 3763, C replaced by T.
Protein change: p.Arg1255Cys; replaces arginine 1255 with cysteine.
Molecular consequence: missense variant.
Genome position (GRCh38, 1-based): chr17:42,697,748, C>T. VCF-style: chr17-42697748-C-T. GRCh37 (hg19) VCF-style: chr17-40849766-C-T.
Other names: short protein forms R1255C.
Identifiers: ClinVar variation 2478673 (VCV002478673.5), dbSNP rs202174111, ClinGen allele CA290767786.